The following is an entry in ClinVar:

NM_016553.5(NUP62):c.979G>A (p.Ala327Thr)

Genes: IL4I1 (interleukin 4 induced 1; minus strand), NUP62 (nucleoporin 62; minus strand). Cytogenetic location: 19q13.33.
Variant type: single nucleotide variant.
Coding change: c.979G>A on transcript NM_016553.5 (MANE Select); coding-DNA position 979, G replaced by A.
Protein change: p.Ala327Thr; replaces alanine 327 with threonine.
Molecular consequence: missense variant. On other transcripts: intron variant (3).
Genome position (GRCh38, 1-based): chr19:49,908,829, C>T on the plus strand (G>A on the coding strand, the complement: NUP62 is on the minus strand). VCF-style: chr19-49908829-C-T. GRCh37 (hg19) VCF-style: chr19-50412086-C-T.
Other names: c.979G>A, p.Ala327Thr (NM_001193357.2, NM_012346.5, NM_153718.4 and 1 more transcripts); c.-227-4508G>A (NM_001258017.2, NM_172374.3); c.-285-4508G>A (NM_001258018.2); short protein forms A327T.
Identifiers: ClinVar variation 4704625 (VCV004704625.1).
Genomic context (GRCh38, chr19:49,908,829, plus strand): 5'-GGTCCTCTAGCTCCAGGCTCCATTTGTTGATCAGGCTCTCCAGCTGCGCGTAGGTCATGG[C>T]GGAGCTGGCAGCCGCCCCTGCAGCTGCGCCAGGGCCAGGTGGAGCGGTCACGGCAGCTGC-3'
Protein context (NP_057637.2, residues 317-337): GAAAGAAASS[Ala327Thr]MTYAQLESLI

ClinVar aggregate classification (germline): Uncertain significance (1 of 4 stars; one submission).

gnomAD v4.1: 13 of 1,612,922 alleles (0.00081%); highest among the groups gnomAD compares: East Asian, 0.011%; no homozygotes.

Submission:

Labcorp Genetics (formerly Invitae), Labcorp
Classification: Uncertain significance. Last evaluated: 2025-07-30. Review status: criteria provided, single submitter. Criteria: Invitae Variant Classification Sherloc (09022015). Collection method: clinical testing. Allele origin: germline.
Comment: This sequence change replaces alanine, which is neutral and non-polar, with threonine, which is neutral and polar, at codon 327 of the NUP62 protein (p.Ala327Thr). The frequency data for this variant in the population databases is considered unreliable, as metrics indicate poor data quality at this position in the gnomAD database. This variant has not been reported in the literature in individuals affected with NUP62-related conditions. An algorithm developed to predict the effect of missense changes on protein structure and function outputs the following: PolyPhen-2: "Benign". The threonine amino acid residue is found in multiple mammalian species, which suggests that this missense change does not adversely affect protein function. In summary, the available evidence is currently insufficient to determine the role of this variant in disease. Therefore, it has been classified as a Variant of Uncertain Significance.